The following is an entry in ClinVar:

ClinVar aggregate classification (germline): Uncertain significance. Review status: criteria provided, multiple submitters, no conflicts (2 of 4 stars). 2 submissions from 2 submitters: Uncertain significance (2). Last evaluated 2024-11-18.

Conditions:
Bloom syndrome (BLM). Also called: Bloom-Torre-Machacek syndrome. Identifiers: Orphanet 125, MedGen C0005859, MONDO:0008876, OMIM 210900.
Hereditary cancer-predisposing syndrome. Also called: Tumor predisposition; Hereditary neoplastic syndrome; Hereditary Cancer Syndrome; Neoplastic Syndromes, Hereditary. Identifiers: Orphanet 140162, MedGen C0027672, MeSH D009386, MONDO:0015356.

Submissions (2):

Labcorp Genetics (formerly Invitae), Labcorp
Classification: Uncertain significance for Bloom syndrome. Last evaluated: 2024-11-18. Review status: criteria provided, single submitter. Criteria: Invitae Variant Classification Sherloc (09022015). Collection method: clinical testing. Allele origin: germline.
Comment: This sequence change replaces phenylalanine, which is neutral and non-polar, with isoleucine, which is neutral and non-polar, at codon 807 of the BLM protein (p.Phe807Ile). This variant is not present in population databases (gnomAD no frequency). This variant has not been reported in the literature in individuals affected with BLM-related conditions. ClinVar contains an entry for this variant (Variation ID: 3224208). Invitae Evidence Modeling of protein sequence and biophysical properties (such as structural, functional, and spatial information, amino acid conservation, physicochemical variation, residue mobility, and thermodynamic stability) indicates that this missense variant is expected to disrupt BLM protein function with a positive predictive value of 80%. In summary, the available evidence is currently insufficient to determine the role of this variant in disease. Therefore, it has been classified as a Variant of Uncertain Significance.

Ambry Genetics
Classification: Uncertain significance for Hereditary cancer-predisposing syndrome. Last evaluated: 2023-09-24. Review status: criteria provided, single submitter. Criteria: Ambry Variant Classification Scheme 2023. Collection method: clinical testing. Allele origin: germline.
Comment: The p.F807I variant (also known as c.2419T>A), located in coding exon 11 of the BLM gene, results from a T to A substitution at nucleotide position 2419. The phenylalanine at codon 807 is replaced by isoleucine, an amino acid with highly similar properties. This amino acid position is conserved. In addition, this alteration is predicted to be deleterious by in silico analysis. Since supporting evidence is limited at this time, the clinical significance of this alteration remains unclear.

NM_000057.4(BLM):c.2419T>A (p.Phe807Ile)

Gene: BLM (BLM RecQ like helicase; plus strand). Cytogenetic location: 15q26.1.
Variant type: single nucleotide variant.
Coding change: c.2419T>A on transcript NM_000057.4 (MANE Select); coding-DNA position 2419, T replaced by A.
Protein change: p.Phe807Ile; replaces phenylalanine 807 with isoleucine.
Molecular consequence: missense variant.
Genome position (GRCh38, 1-based): chr15:90,769,450, T>A. VCF-style: chr15-90769450-T-A. GRCh37 (hg19) VCF-style: chr15-91312680-T-A.
Other names: c.2419T>A, p.Phe807Ile (NM_001287246.2, NM_001287247.2); c.1294T>A, p.Phe432Ile (NM_001287248.2); short protein forms F432I, F807I.
Identifiers: ClinVar variation 3224208 (VCV003224208.3), dbSNP rs2505456365, ClinGen allele CA393845274.
Genomic context (GRCh38, chr15:90,769,450, plus strand): 5'-AAGGAAGCTCCAAGTAGTCTGAAAAGCAGTATTTTTTTTTCCAACTAGTGGGGACATGAT[T>A]TTCGTCAAGATTACAAAAGAATGAATATGCTTCGCCAGAAGTTTCCTTCTGTTCCGGTGA-3'
Protein context (NP_000048.1, residues 797-817): AHCVSQWGHD[Phe807Ile]RQDYKRMNML